The following is an entry in ClinVar:

NM_000091.5(COL4A3):c.737_738insATGTGTATAAGAGACA (p.Val246_Thr247insCysValTer)

Genes: COL4A3 (collagen type IV alpha 3 chain; plus strand), MFF-DT (MFF divergent transcript; minus strand). Cytogenetic location: 2q36.3.
Variant type: Insertion.
Coding change: c.737_738insATGTGTATAAGAGACA on transcript NM_000091.5 (MANE Select); coding-DNA positions 737 to 738, ATGTGTATAAGAGACA inserted.
Protein change: p.Val246_Thr247insCysValTer.
Molecular consequence: nonsense, inframe insertion.
Genome position: GRCh38 VCF-style: chr2-227253610-T-TATGTGTATAAGAGACA. GRCh37 (hg19) VCF-style: chr2-228118326-T-TATGTGTATAAGAGACA.
Identifiers: ClinVar variation 1726368 (VCV001726368.2), dbSNP rs2469563696, ClinGen allele CA2580065958.

ClinVar aggregate classification (germline): Likely pathogenic (1 of 4 stars; one submission).

Conditions:
Autosomal recessive Alport syndrome (ATS2). Also called: Alport syndrome type 2; COL4A4 Alport Syndrome and Thin Basement Membrane Nephropathy; ALPORT SYNDROME 2, AUTOSOMAL RECESSIVE; COL4A3-Related Nephropathy. Identifiers: Orphanet 63, Orphanet 88919, MedGen C4746745, MONDO:0008762, OMIM 203780.

Submission:

Myriad Genetics, Inc.
Classification: Likely pathogenic for Autosomal recessive Alport syndrome. Last evaluated: 2021-12-16. Review status: criteria provided, single submitter. Criteria: Myriad Women's Health Autosomal Recessive and X-Linked Classification Criteria (2021). Collection method: clinical testing. Allele origin: unknown.
Comment: NM_000091.4(COL4A3):c.737_738ins16(T247Cfs*3) is expected to be pathogenic in the context of COL4A3-related Alport syndrome. This variant is predicted to lead to an abnormal or absent protein product due to the creation of a premature termination codon in COL4A3, a gene where loss-of-function variants are known to be pathogenic. Please note: this variant was assessed in the context of healthy population screening.